The following is an entry in ClinVar:

ClinVar aggregate classification (germline): Benign/Likely benign. Review status: criteria provided, multiple submitters, no conflicts (2 of 4 stars). 5 submissions from 5 submitters: Benign (1); Likely benign (4). Last evaluated 2025-01-23.

Conditions:
Lynch syndrome. Identifiers: Orphanet 144, MedGen C4552100, MONDO:0005835. Disease mechanism: loss of function.
Hereditary nonpolyposis colorectal neoplasms. Identifiers: MedGen C0009405, MeSH D003123.
Lynch syndrome 4 (LYNCH4). Also called: Colorectal cancer, hereditary nonpolyposis, type 4; Hereditary non-polyposis colorectal cancer, type 4. Identifiers: Orphanet 144, MedGen C1838333, MONDO:0013699, OMIM 614337. Disease mechanism: loss of function.
Hereditary cancer-predisposing syndrome. Also called: Hereditary neoplastic syndrome; Tumor predisposition; Hereditary Cancer Syndrome; Neoplastic Syndromes, Hereditary. Identifiers: Orphanet 140162, MedGen C0027672, MeSH D009386, MONDO:0015356.

Allele frequency attached by ClinVar (database versions not stated): gnomAD exomes 0.00001.
gnomAD v4.1: 7 of 1,603,272 alleles (0.00044%); highest among the groups gnomAD compares: Non-Finnish European, 0.0006%; no homozygotes.

Submissions (5):

Myriad Genetics, Inc.
Classification: Benign for Lynch syndrome 4. Last evaluated: 2025-01-23. Review status: criteria provided, single submitter. Criteria: Myriad Autosomal Dominant, Autosomal Recessive and X-Linked Classification Criteria (2023). Collection method: clinical testing. Allele origin: unknown.
Comment: This variant is considered benign. This variant is a silent/synonymous amino acid change and it is not expected to impact splicing.

All of Us Research Program, National Institutes of Health
Classification: Likely benign for Lynch syndrome. Last evaluated: 2024-05-14. Review status: criteria provided, single submitter. Criteria: ACMG Guidelines, 2015. Collection method: clinical testing. Allele origin: germline. Inheritance: Autosomal dominant inheritance. Observed: 2 variant alleles, 2 heterozygotes.
Comment: This study involves interpretation of variants in research participants for the purpose of population health screening. Participant phenotype was not available at the time of variant classification. Additional details can be found in publication PMID: 35346344, PMCID: PMC8962531

Ambry Genetics
Classification: Likely benign for Hereditary cancer-predisposing syndrome. Last evaluated: 2024-02-26. Review status: criteria provided, single submitter. Criteria: Ambry Variant Classification Scheme 2023. Collection method: clinical testing. Allele origin: germline.

Labcorp Genetics (formerly Invitae), Labcorp
Classification: Likely benign for Hereditary nonpolyposis colorectal neoplasms. Last evaluated: 2024-01-10. Review status: criteria provided, single submitter. Criteria: Invitae Variant Classification Sherloc (09022015). Collection method: clinical testing. Allele origin: germline.

Color Diagnostics, LLC DBA Color Health
Classification: Likely benign for Hereditary cancer-predisposing syndrome. Last evaluated: 2017-03-27. Review status: criteria provided, single submitter. Criteria: ACMG Guidelines, 2015. Collection method: clinical testing. Allele origin: germline.

NM_000535.7(PMS2):c.198T>C (p.Ile66=)

Gene: PMS2 (PMS1 homolog 2, mismatch repair system component; minus strand). Cytogenetic location: 7p22.1.
Variant type: single nucleotide variant.
Coding change: c.198T>C on transcript NM_000535.7 (MANE Select); coding-DNA position 198, T replaced by C.
Protein change: p.Ile66=; no amino-acid change (isoleucine 66 retained).
Molecular consequence: synonymous variant. On other transcripts: 5 prime UTR variant (11), non-coding transcript variant (1).
Genome position (GRCh38, 1-based): chr7:6,004,024, A>G on the plus strand (T>C on the coding strand, the complement: PMS2 is on the minus strand). VCF-style: chr7-6004024-A-G. GRCh37 (hg19) VCF-style: chr7-6043655-A-G.
Other names: c.-208T>C (NM_001322003.2, NM_001322004.2, NM_001322005.2 and 3 more transcripts); c.198T>C, p.Ile66= (NM_001322006.2, NM_001322014.2); c.-18T>C (NM_001322007.2, NM_001322008.2); c.-687T>C (NM_001322011.2, NM_001322012.2); c.-287T>C (NM_001322015.2).
Identifiers: ClinVar variation 492270 (VCV000492270.15), dbSNP rs1554305014, ClinGen allele CA453648692.
Genomic context (GRCh38, chr7:6,004,024, plus strand): 5'-CAACTTACTTAAGCCTTCGAAGTTTTCTTCTTCTACCCCACATCCATTGTCTGAAACTTC[A>G]ATAAGATCCACTCCATAGTCCTTAAGCTTTAGATCTAGAAAGTTTAAAATATTTACATAT-3'
Protein context (NP_000526.2, residues 56-76): LKLKDYGVDL[Ile66=]EVSDNGCGVE